The following is an entry in ClinVar:

NM_000540.3(RYR1):c.2319C>T (p.Asp773=)

Gene: RYR1 (ryanodine receptor 1; plus strand). Cytogenetic location: 19q13.2.
Variant type: single nucleotide variant.
Coding change: c.2319C>T on transcript NM_000540.3 (MANE Select); coding-DNA position 2319, C replaced by T.
Protein change: p.Asp773=; no amino-acid change (aspartic acid 773 retained).
Molecular consequence: synonymous variant.
Genome position (GRCh38, 1-based): chr19:38,459,297, C>T. VCF-style: chr19-38459297-C-T. GRCh37 (hg19) VCF-style: chr19-38949937-C-T.
Other names: p.Asp773=; c.2319C>T, p.Asp773= (NM_001042723.2).
Identifiers: ClinVar variation 194923 (VCV000194923.66), dbSNP rs374924686, ClinGen allele CA024345.
Genomic context (GRCh38, chr19:38,459,297, plus strand): 5'-CATCTCCTTCCGCATCAACGGCTGCCCCGTGCAGGGTGTCTTTGAGTCCTTCAACCTGGA[C>T]GGGCTCTTCTTCCCTGTTGTCAGCTTCTCGGCTGGTGTCAAGTGAGAACTTGCCCCCACC-3'
Protein context (NP_000531.2, residues 763-783): VQGVFESFNL[Asp773=]GLFFPVVSFS

ClinVar aggregate classification (germline): Conflicting classifications of pathogenicity. Review status: criteria provided, conflicting classifications (1 of 4 stars). 10 submissions from 9 submitters: Uncertain significance (3); Benign (3); Likely benign (4). Last evaluated 2026-01-25.

Conditions:
RYR1-related disorder. Also called: RYR1-related condition; RYR1-related disorders. Identifiers: MedGen CN239331.
Malignant hyperthermia, susceptibility to, 1 (MHS1). Also called: Anesthesia related hyperthermia; Malignant hyperpyrexia; Fulminating hyperpyrexia; Pharmacogenic myopathy; RYR1-Related Malignant Hyperthermia Susceptibility; Malignant hyperthermia suceptibility 1. Identifiers: Orphanet 423, MedGen C2930980, MONDO:0007783, OMIM 145600.
Congenital multicore myopathy with external ophthalmoplegia (CMYO1B). Also called: Minicore myopathy with external ophthalmoplegia; MULTICORE MYOPATHY; Congenital myopathy 1B, autosomal recessive; Minicore myopathy; MULTIMINICORE DISEASE WITH EXTERNAL OPHTHALMOPLEGIA. Identifiers: Orphanet 598, Orphanet 98905, MedGen C1850674, MONDO:0009712, OMIM 255320, HP:0003789.

Allele frequency attached by ClinVar (database versions not stated): TOPMed 0.00010; gnomAD exomes 0.00011 and 0.00031; gnomAD 0.00014 and 0.00016; ESP Exome Variant Server 0.00015; ExAC 0.00030.
gnomAD v4.1: 198 of 1,613,992 alleles (0.012%); highest among the groups gnomAD compares: East Asian, 0.0089%; no homozygotes.

Submissions (10):

Labcorp Genetics (formerly Invitae), Labcorp
Classification: Benign for RYR1-related disorder. Last evaluated: 2026-01-25. Review status: criteria provided, single submitter. Criteria: Invitae Variant Classification Sherloc (09022015). Collection method: clinical testing. Allele origin: germline.

CeGaT Center for Human Genetics Tuebingen
Classification: Likely benign. Last evaluated: 2025-11-01. Review status: criteria provided, single submitter. Criteria: CeGaT Center For Human Genetics Tuebingen Variant Classification Criteria Version 2. Collection method: clinical testing. Allele origin: germline. Affected: yes. Observed: 9 variant alleles.
Comment: RYR1: BP4, BP7

Mayo Clinic Laboratories, Mayo Clinic
Classification: Likely benign. Last evaluated: 2025-04-02. Review status: criteria provided, single submitter. Criteria: ACMG Guidelines, 2015. Collection method: clinical testing. Allele origin: germline. Observed: 2 variant alleles.
Comment: BS1, BP4, BP7

Blueprint Genetics
Classification: Likely benign. Last evaluated: 2024-10-25. Review status: criteria provided, single submitter. Criteria: ACMG Guidelines, 2015. Collection method: clinical testing. Allele origin: germline.

All of Us Research Program, National Institutes of Health
Classification: Benign for Malignant hyperthermia, susceptibility to, 1. Last evaluated: 2024-02-05. Review status: criteria provided, single submitter. Criteria: ACMG Guidelines, 2015. Collection method: clinical testing. Allele origin: germline. Inheritance: Autosomal dominant inheritance. Observed: 57 variant alleles, 57 heterozygotes.
Comment: This study involves interpretation of variants in research participants for the purpose of population health screening. Participant phenotype was not available at the time of variant classification. Additional details can be found in publication PMID: 35346344, PMCID: PMC8962531

Color Diagnostics, LLC DBA Color Health
Classification: Benign for Malignant hyperthermia, susceptibility to, 1. Last evaluated: 2022-11-06. Review status: criteria provided, single submitter. Criteria: ACMG Guidelines, 2015. Collection method: clinical testing. Allele origin: germline.

Illumina Laboratory Services, Illumina
Classification: Uncertain significance for Congenital multicore myopathy with external ophthalmoplegia. Last evaluated: 2018-01-13. Review status: criteria provided, single submitter. Criteria: ICSL Variant Classification Criteria 13 December 2019. Collection method: clinical testing. Allele origin: germline.

Illumina Laboratory Services, Illumina
Classification: Uncertain significance for Malignant hyperthermia, susceptibility to, 1. Last evaluated: 2018-01-13. Review status: criteria provided, single submitter. Criteria: ICSL Variant Classification Criteria 13 December 2019. Collection method: clinical testing. Allele origin: germline.

PreventionGenetics, part of Exact Sciences
Classification: Likely benign. Last evaluated: 2017-06-12. Review status: criteria provided, single submitter. Criteria: ACMG Guidelines, 2015. Collection method: clinical testing. Allele origin: germline.

Eurofins Ntd Llc (ga)
Classification: Uncertain significance. Last evaluated: 2015-02-18. Review status: criteria provided, single submitter. Criteria: EGL Classification Definitions 2015. Collection method: clinical testing. Allele origin: germline. Observed: 1 variant allele, 1 heterozygote.